The following is an entry in ClinVar:

ClinVar aggregate classification (germline): Uncertain significance (1 of 4 stars; one submission).

Allele frequency attached by ClinVar (database versions not stated): ExAC 0.00001.
gnomAD v4.1: 30 of 1,612,846 alleles (0.0019%); highest among the groups gnomAD compares: South Asian, 0.0044%; no homozygotes.

Submission:

Labcorp Genetics (formerly Invitae), Labcorp
Classification: Uncertain significance. Last evaluated: 2023-05-22. Review status: criteria provided, single submitter. Criteria: Invitae Variant Classification Sherloc (09022015). Collection method: clinical testing. Allele origin: germline.
Comment: In summary, the available evidence is currently insufficient to determine the role of this variant in disease. Therefore, it has been classified as a Variant of Uncertain Significance. Algorithms developed to predict the effect of missense changes on protein structure and function output the following: SIFT: "Not Available"; PolyPhen-2: "Benign"; Align-GVGD: "Not Available". The leucine amino acid residue is found in multiple mammalian species, which suggests that this missense change does not adversely affect protein function. ClinVar contains an entry for this variant (Variation ID: 1910164). This variant has not been reported in the literature in individuals affected with RP1-related conditions. This variant is present in population databases (rs755745244, gnomAD 0.01%). This sequence change replaces proline, which is neutral and non-polar, with leucine, which is neutral and non-polar, at codon 836 of the RP1 protein (p.Pro836Leu).

NM_006269.2(RP1):c.2507C>T (p.Pro836Leu)

Gene: RP1 (RP1 axonemal microtubule associated; plus strand). Cytogenetic location: 8q12.1.
Variant type: single nucleotide variant.
Coding change: c.2507C>T on transcript NM_006269.2 (MANE Select); coding-DNA position 2507, C replaced by T.
Protein change: p.Pro836Leu; replaces proline 836 with leucine.
Molecular consequence: missense variant. On other transcripts: intron variant (1).
Genome position (GRCh38, 1-based): chr8:54,626,389, C>T. VCF-style: chr8-54626389-C-T. GRCh37 (hg19) VCF-style: chr8-55538949-C-T.
Other names: c.787+4101C>T (NM_001375654.1); short protein forms P836L.
Identifiers: ClinVar variation 1910164 (VCV001910164.5), dbSNP rs755745244, ClinGen allele CA4751551.